The following is an entry in ClinVar:

NM_018979.4(WNK1):c.*1517T>C

Gene: WNK1 (WNK lysine deficient protein kinase 1; plus strand). Cytogenetic location: 12p13.33.
Variant type: single nucleotide variant.
Coding change: c.*1517T>C on transcript NM_018979.4 (MANE Select); 1517 bases downstream of the stop codon, T replaced by C.
Molecular consequence: 3 prime UTR variant.
Genome position (GRCh38, 1-based): chr12:910,309, T>C. VCF-style: chr12-910309-T-C. GRCh37 (hg19) VCF-style: chr12-1019475-T-C.
Other names: c.*1517T>C (NM_001184985.2, NM_014823.3, NM_213655.5).
Identifiers: ClinVar variation 306695 (VCV000306695.5), dbSNP rs535956701, ClinGen allele CA10638758.

ClinVar aggregate classification (germline): Benign (1 of 4 stars; one submission).

Conditions:
Pseudohypoaldosteronism type 2C (PHA2C). Also called: Pseudohypoaldosteronism Type IIC. Identifiers: Orphanet 757, Orphanet 88940, MedGen C1840391, MONDO:0013778, OMIM 614492.

Allele frequency attached by ClinVar (database versions not stated): TOPMed 0.00119; 1000 Genomes Project 0.00120; gnomAD 0.00130 and 0.00143; 1000 Genomes Project 30x 0.00172.

Submission:

Illumina Laboratory Services, Illumina
Classification: Benign for Pseudohypoaldosteronism type 2C. Last evaluated: 2018-01-12. Review status: criteria provided, single submitter. Criteria: ICSL Variant Classification Criteria 13 December 2019. Collection method: clinical testing. Allele origin: germline.
Comment: This variant was observed in the ICSL laboratory as part of a predisposition screen in an ostensibly healthy population. It had not been previously curated by ICSL or reported in the Human Gene Mutation Database (HGMD: prior to June 1st, 2018), and was therefore a candidate for classification through an automated scoring system. Utilizing variant allele frequency, disease prevalence and penetrance estimates, and inheritance mode, an automated score was calculated to assess if this variant is too frequent to cause the disease. Based on the score and internal cut-off values, a variant classified as benign is not then subjected to further curation. The score for this variant resulted in a classification of benign for this disease.